The following is an entry in ClinVar:

NM_001267550.2(TTN):c.98499C>T (p.Leu32833=)

Genes: TTN (titin; minus strand), TTN-AS1 (TTN antisense RNA 1; plus strand). Cytogenetic location: 2q31.2.
Variant type: single nucleotide variant.
Coding change: c.98499C>T on transcript NM_001267550.2 (MANE Select); coding-DNA position 98499, C replaced by T.
Protein change: p.Leu32833=; no amino-acid change (leucine 32833 retained).
Molecular consequence: synonymous variant. On other transcripts: non-coding transcript variant (1).
Genome position (GRCh38, 1-based): chr2:178,539,566, G>A on the plus strand (C>T on the coding strand, the complement: TTN is on the minus strand). VCF-style: chr2-178539566-G-A. GRCh37 (hg19) VCF-style: chr2-179404293-G-A.
Other names: p.L30265L:CTC>CTT; p.Leu31192=; c.93576C>T, p.Leu31192= (NM_001256850.1); c.71304C>T, p.Leu23768= (NM_003319.4); c.90795C>T, p.Leu30265= (NM_133378.4); c.71679C>T, p.Leu23893= (NM_133432.3); c.71880C>T, p.Leu23960= (NM_133437.4).
Identifiers: ClinVar variation 47603 (VCV000047603.50), dbSNP rs138968178, ClinGen allele CA284169.

ClinVar aggregate classification (germline): Benign/Likely benign. Review status: criteria provided, multiple submitters, no conflicts (2 of 4 stars). 26 submissions from 19 submitters: Benign (17); Likely benign (4). 5 of the submissions do not count toward it. Last evaluated 2026-02-03.

Conditions:
Cardiovascular phenotype. Identifiers: MedGen CN230736.
Dilated cardiomyopathy 1G (CMD1G). Identifiers: Orphanet 154, MedGen C1858763, MONDO:0011400, OMIM 604145.
Autosomal recessive limb-girdle muscular dystrophy type 2J (LGMDR10). Also called: MUSCULAR DYSTROPHY, LIMB-GIRDLE, AUTOSOMAL RECESSIVE 10; Limb-girdle muscular dystrophy, type 2J. Identifiers: Orphanet 140922, MedGen C1837342, MONDO:0012127, OMIM 608807.
Cardiomyopathy (CMYO). Also called: Cardiomyopathies. Identifiers: Orphanet 167848, MedGen C0878544, MONDO:0004994, HP:0001638. Inheritance: Various modes of inheritance.
Early-onset myopathy with fatal cardiomyopathy (CMYO5). Also called: CONGENITAL MYOPATHY 5 WITH CARDIOMYOPATHY; Salih Myopathy. Identifiers: Orphanet 289377, MedGen C2673677, MONDO:0012714, OMIM 611705. Disease mechanism: loss of function.
Tibial muscular dystrophy (TMD). Also called: Udd Distal Myopathy – Tibial Muscular Dystrophy; Tibial muscular dystrophy, tardive; UDD MYOPATHY. Identifiers: Orphanet 609, MedGen C1838244, MONDO:0010870, OMIM 600334.
Myopathy, myofibrillar, 9, with early respiratory failure (MFM9). Also called: Myopathy, distal, with early respiratory failure, autosomal dominant; Hereditary myopathy with early respiratory failure; MYOPATHY, PROXIMAL, WITH EARLY RESPIRATORY MUSCLE INVOLVEMENT; EDSTROM MYOPATHY. Identifiers: Orphanet 178464, Orphanet 34521, MedGen C1863599, MONDO:0011362, OMIM 603689.

Allele frequency attached by ClinVar (database versions not stated): gnomAD exomes 0.00376 and 0.00223; TOPMed 0.00111; ESP Exome Variant Server 0.00153; ExAC 0.00429; gnomAD 0.00114 and 0.00184; 1000 Genomes Project 30x 0.00593; 1000 Genomes Project 0.00599.
gnomAD v4.1: 3,590 of 1,613,746 alleles (0.22%); highest among the groups gnomAD compares: South Asian, 2.1%; 53 homozygotes.

Submissions (26):

Labcorp Genetics (formerly Invitae), Labcorp
Classification: Benign for Dilated cardiomyopathy 1G; Autosomal recessive limb-girdle muscular dystrophy type 2J. Last evaluated: 2026-02-03. Review status: criteria provided, single submitter. Criteria: Invitae Variant Classification Sherloc (09022015). Collection method: clinical testing. Allele origin: germline.

ARUP Laboratories, Molecular Genetics and Genomics, ARUP Laboratories
Classification: Benign. Last evaluated: 2025-06-23. Review status: criteria provided, single submitter. Criteria: ARUP Molecular Germline Variant Investigation Process 2024. Collection method: clinical testing. Allele origin: germline.

Molecular Diagnostic Laboratory for Inherited Cardiovascular Disease, Montreal Heart Institute
Classification: Benign. Last evaluated: 2025-04-09. Review status: criteria provided, single submitter. Criteria: ACMG Guidelines, 2015. Collection method: clinical testing. Allele origin: germline. Affected: no.

Athena Diagnostics
Classification: Benign. Last evaluated: 2025-01-21. Review status: criteria provided, single submitter. Criteria: Athena Diagnostics Criteria. Collection method: clinical testing. Allele origin: unknown.
Comment: The frequency of this variant in the general population is higher than would generally be expected for pathogenic variants in this gene.

Genome-Nilou Lab
Classification: Benign for Autosomal recessive limb-girdle muscular dystrophy type 2J. Last evaluated: 2021-09-10. Review status: criteria provided, single submitter. Criteria: ACMG Guidelines, 2015. Collection method: clinical testing. Allele origin: germline. Affected: no.

Genome-Nilou Lab
Classification: Benign for Myopathy, myofibrillar, 9, with early respiratory failure. Last evaluated: 2021-09-10. Review status: criteria provided, single submitter. Criteria: ACMG Guidelines, 2015. Collection method: clinical testing. Allele origin: germline. Affected: no.

Genome-Nilou Lab
Classification: Benign for Early-onset myopathy with fatal cardiomyopathy. Last evaluated: 2021-09-10. Review status: criteria provided, single submitter. Criteria: ACMG Guidelines, 2015. Collection method: clinical testing. Allele origin: germline. Affected: no.

Genome-Nilou Lab
Classification: Benign for Tibial muscular dystrophy. Last evaluated: 2021-09-10. Review status: criteria provided, single submitter. Criteria: ACMG Guidelines, 2015. Collection method: clinical testing. Allele origin: germline. Affected: no.

Women's Health and Genetics/Laboratory Corporation of America, LabCorp
Classification: Benign. Last evaluated: 2020-01-06. Review status: criteria provided, single submitter. Criteria: LabCorp Variant Classification Summary - May 2015. Collection method: clinical testing. Allele origin: germline.

CHEO Genetics Diagnostic Laboratory, Children's Hospital of Eastern Ontario
Classification: Benign for Cardiomyopathy. Last evaluated: 2019-05-30. Review status: criteria provided, single submitter. Criteria: ACMG Guidelines, 2015. Collection method: clinical testing. Allele origin: germline.

Illumina Laboratory Services, Illumina
Classification: Likely benign for Autosomal recessive limb-girdle muscular dystrophy type 2J. Last evaluated: 2018-01-13. Review status: criteria provided, single submitter. Criteria: ICSL Variant Classification Criteria 13 December 2019. Collection method: clinical testing. Allele origin: germline.
Comment: This variant was observed in the ICSL laboratory as part of a predisposition screen in an ostensibly healthy population. It had not been previously curated by ICSL or reported in the Human Gene Mutation Database (HGMD: prior to June 1st, 2018), and was therefore a candidate for classification through an automated scoring system. Utilizing variant allele frequency, disease prevalence and penetrance estimates, and inheritance mode, an automated score was calculated to assess if this variant is too frequent to cause the disease. Based on the score and internal cut-off values, a variant classified as likely benign is not then subjected to further curation. The score for this variant resulted in a classification of likely benign for this disease.

Illumina Laboratory Services, Illumina
Classification: Benign for Tibial muscular dystrophy. Last evaluated: 2018-01-13. Review status: criteria provided, single submitter. Criteria: ICSL Variant Classification Criteria 13 December 2019. Collection method: clinical testing. Allele origin: germline.
Comment: This variant was observed in the ICSL laboratory as part of a predisposition screen in an ostensibly healthy population. It had not been previously curated by ICSL or reported in the Human Gene Mutation Database (HGMD: prior to June 1st, 2018), and was therefore a candidate for classification through an automated scoring system. Utilizing variant allele frequency, disease prevalence and penetrance estimates, and inheritance mode, an automated score was calculated to assess if this variant is too frequent to cause the disease. Based on the score and internal cut-off values, a variant classified as benign is not then subjected to further curation. The score for this variant resulted in a classification of benign for this disease.

Illumina Laboratory Services, Illumina
Classification: Benign for Myopathy, myofibrillar, 9, with early respiratory failure. Last evaluated: 2018-01-13. Review status: criteria provided, single submitter. Criteria: ICSL Variant Classification Criteria 13 December 2019. Collection method: clinical testing. Allele origin: germline.
Comment: the same text as in the submission from Illumina Laboratory Services, Illumina above.

Illumina Laboratory Services, Illumina
Classification: Likely benign for Early-onset myopathy with fatal cardiomyopathy. Last evaluated: 2018-01-13. Review status: criteria provided, single submitter. Criteria: ICSL Variant Classification Criteria 13 December 2019. Collection method: clinical testing. Allele origin: germline.
Comment: the same text as in the submission from Illumina Laboratory Services, Illumina above.

Illumina Laboratory Services, Illumina
Classification: Likely benign for Dilated cardiomyopathy 1G. Last evaluated: 2018-01-13. Review status: criteria provided, single submitter. Criteria: ICSL Variant Classification Criteria 13 December 2019. Collection method: clinical testing. Allele origin: germline.
Comment: the same text as in the submission from Illumina Laboratory Services, Illumina above.

Ambry Genetics
Classification: Benign for Cardiovascular phenotype. Last evaluated: 2016-01-06. Review status: criteria provided, single submitter. Criteria: Ambry Variant Classification Scheme 2023. Collection method: clinical testing. Allele origin: germline.

Eurofins Ntd Llc (ga)
Classification: Benign. Last evaluated: 2015-09-03. Review status: criteria provided, single submitter. Criteria: EGL Classification Definitions 2015. Collection method: clinical testing. Allele origin: germline. Observed: 1 variant allele, 1 heterozygote.

Mayo Clinic Laboratories, Mayo Clinic
Classification: Benign. Last evaluated: 2015-06-17. Review status: criteria provided, single submitter. Criteria: ACMG Guidelines, 2015. Collection method: clinical testing. Allele origin: germline. Observed: 9 variant alleles.

Laboratory for Molecular Medicine, Mass General Brigham Personalized Medicine
Classification: Benign. Last evaluated: 2015-04-28. Review status: criteria provided, single submitter. Criteria: LMM Criteria. Collection method: clinical testing. Allele origin: germline. Observed: 14 variant alleles.
Comment: p.Leu30265Leu in exon 301 of TTN: This variant is not expected to have clinical significance because it has been identified in 2.3% (384/16510) of South Asian c hromosomes, including 7 homozygotes, by the Exome Aggregation Consortium (ExAC; dbSNP rs138968178).

GeneDx
Classification: Benign. Last evaluated: 2014-04-29. Review status: criteria provided, single submitter. Criteria: GeneDx Variant Classification (06012015). Collection method: clinical testing. Allele origin: germline. Affected: yes.
Comment: This variant is considered likely benign or benign based on one or more of the following criteria: it is a conservative change, it occurs at a poorly conserved position in the protein, it is predicted to be benign by multiple in silico algorithms, and/or has population frequency not consistent with disease.

Breakthrough Genomics
Classification: Likely benign. Review status: criteria provided, single submitter. Criteria: ACMG Guidelines, 2015. Collection method: not provided. Allele origin: germline. Inheritance: Autosomal recessive inheritance. Affected: yes.

Clinical Genetics DNA and cytogenetics Diagnostics Lab, Erasmus MC, Erasmus Medical Center
Classification: Likely benign. Review status: no assertion criteria provided. Collection method: clinical testing. Allele origin: germline. Affected: yes. Study: VKGL Data-share Consensus. Not counted in ClinVar's aggregate classification.

Clinical Genetics, Academic Medical Center
Classification: Benign. Review status: no assertion criteria provided. Collection method: clinical testing. Allele origin: germline. Affected: yes. Study: VKGL Data-share Consensus. Not counted in ClinVar's aggregate classification.

Diagnostic Laboratory, Department of Genetics, University Medical Center Groningen
Classification: Likely benign. Review status: no assertion criteria provided. Collection method: clinical testing. Allele origin: germline. Affected: yes. Study: VKGL Data-share Consensus. Not counted in ClinVar's aggregate classification.

Joint Genome Diagnostic Labs from Nijmegen and Maastricht, Radboudumc and MUMC+
Classification: Benign. Review status: no assertion criteria provided. Collection method: clinical testing. Allele origin: germline. Affected: yes. Study: VKGL Data-share Consensus. Not counted in ClinVar's aggregate classification.

Laboratory of Diagnostic Genome Analysis, Leiden University Medical Center (LUMC)
Classification: Likely benign. Review status: no assertion criteria provided. Collection method: clinical testing. Allele origin: germline. Affected: yes. Study: VKGL Data-share Consensus. Not counted in ClinVar's aggregate classification.